The following is an entry in ClinVar:

ClinVar aggregate classification (germline): Uncertain significance (1 of 4 stars; one submission).

Conditions:
Nemaline myopathy 9 (NEM9). Identifiers: MedGen C3810384, MONDO:0014326, OMIM 615731.

gnomAD v4.1: 1 of 1,614,124 alleles (0.000062%); highest among the groups gnomAD compares: South Asian, 0.0011%; no homozygotes.

Submission:

Labcorp Genetics (formerly Invitae), Labcorp
Classification: Uncertain significance for Nemaline myopathy 9. Last evaluated: 2022-03-18. Review status: criteria provided, single submitter. Criteria: Invitae Variant Classification Sherloc (09022015). Collection method: clinical testing. Allele origin: germline.
Comment: In summary, the available evidence is currently insufficient to determine the role of this variant in disease. Therefore, it has been classified as a Variant of Uncertain Significance. Algorithms developed to predict the effect of missense changes on protein structure and function (SIFT, PolyPhen-2, Align-GVGD) all suggest that this variant is likely to be disruptive. This variant has not been reported in the literature in individuals affected with KLHL41-related conditions. This variant is not present in population databases (gnomAD no frequency). This sequence change replaces leucine, which is neutral and non-polar, with valine, which is neutral and non-polar, at codon 126 of the KLHL41 protein (p.Leu126Val).

NM_006063.3(KLHL41):c.376C>G (p.Leu126Val)

Gene: KLHL41 (kelch like family member 41; plus strand). Cytogenetic location: 2q31.1.
Variant type: single nucleotide variant.
Coding change: c.376C>G on transcript NM_006063.3 (MANE Select); coding-DNA position 376, C replaced by G.
Protein change: p.Leu126Val; replaces leucine 126 with valine.
Molecular consequence: missense variant.
Genome position (GRCh38, 1-based): chr2:169,510,154, C>G. VCF-style: chr2-169510154-C-G. GRCh37 (hg19) VCF-style: chr2-170366664-C-G.
Other names: short protein forms L126V.
Identifiers: ClinVar variation 2010482 (VCV002010482.4), dbSNP rs1684008595, ClinGen allele CA349174176.